The following is an entry in ClinVar:

ClinVar aggregate classification (germline): Conflicting classifications of pathogenicity. Review status: criteria provided, conflicting classifications (1 of 4 stars). 2 submissions from 2 submitters: Uncertain significance (1); Likely benign (1). Last evaluated 2026-01-28.

Allele frequency attached by ClinVar (database versions not stated): ExAC 0.00043; 1000 Genomes Project 0.00060; 1000 Genomes Project 30x 0.00078; gnomAD 0.00080 and 0.00088; ESP Exome Variant Server 0.00091; TOPMed 0.00093.
gnomAD v4.1: 261 of 1,594,048 alleles (0.016%); highest among the groups gnomAD compares: African/African-American, 0.27%; 2 homozygotes.

Submissions (2):

Labcorp Genetics (formerly Invitae), Labcorp
Classification: Likely benign. Last evaluated: 2026-01-28. Review status: criteria provided, single submitter. Criteria: Invitae Variant Classification Sherloc (09022015). Collection method: clinical testing. Allele origin: germline.

GeneDx
Classification: Uncertain significance. Last evaluated: 2024-06-07. Review status: criteria provided, single submitter. Criteria: GeneDx Variant Classification Process June 2021. Collection method: clinical testing. Allele origin: germline. Affected: yes.
Comment: Has not been previously published as pathogenic or benign to our knowledge; In silico analysis indicates that this missense variant does not alter protein structure/function

NM_001042545.2(LTBP4):c.814G>T (p.Ala272Ser)

Genes: LTBP4 (latent transforming growth factor beta binding protein 4; plus strand), LOC121627876 (Sharpr-MPRA regulatory region 12022; plus strand). Cytogenetic location: 19q13.2.
Variant type: single nucleotide variant.
Coding change: c.814G>T on transcript NM_001042545.2 (MANE Select); coding-DNA position 814, G replaced by T.
Protein change: p.Ala272Ser; replaces alanine 272 with serine.
Molecular consequence: missense variant.
Genome position (GRCh38, 1-based): chr19:40,606,253, G>T. VCF-style: chr19-40606253-G-T. GRCh37 (hg19) VCF-style: chr19-41112159-G-T.
Other names: c.1015G>T, p.Ala339Ser (NM_001042544.1); c.904G>T, p.Ala302Ser (NM_003573.2); short protein forms A272S, A339S, A302S.
Identifiers: ClinVar variation 727454 (VCV000727454.11), dbSNP rs199990200, ClinGen allele CA9448107.